The following is an entry in ClinVar:

ClinVar aggregate classification (germline): Uncertain significance (1 of 4 stars; one submission).

gnomAD v4.1: 2 of 1,588,882 alleles (0.00013%); highest among the groups gnomAD compares: Admixed American, 0.0017%; no homozygotes.

Submission:

GeneDx
Classification: Uncertain significance. Last evaluated: 2020-07-24. Review status: criteria provided, single submitter. Criteria: GeneDx Variant Classification Process June 2021. Collection method: clinical testing. Allele origin: germline. Affected: yes.
Comment: Not observed in large population cohorts (Lek et al., 2016); In silico analysis supports that this missense variant has a deleterious effect on protein structure/function; Has not been previously published as pathogenic or benign to our knowledge

NM_018896.5(CACNA1G):c.2478G>T (p.Gln826His)

Gene: CACNA1G (calcium voltage-gated channel subunit alpha1 G; plus strand). Cytogenetic location: 17q21.33.
Variant type: single nucleotide variant.
Coding change: c.2478G>T on transcript NM_018896.5 (MANE Select); coding-DNA position 2478, G replaced by T.
Protein change: p.Gln826His; replaces glutamine 826 with histidine.
Molecular consequence: missense variant. On other transcripts: non-coding transcript variant (5).
Genome position (GRCh38, 1-based): chr17:50,591,459, G>T. VCF-style: chr17-50591459-G-T. GRCh37 (hg19) VCF-style: chr17-48668820-G-T.
Other names: c.2478G>T, p.Gln826His (NM_001256324.2, NM_001256325.2, NM_001256326.2 and 24 more transcripts); short protein forms Q826H.
Identifiers: ClinVar variation 1313024 (VCV001313024.2), dbSNP rs761607823, ClinGen allele CA400248210.
Genomic context (GRCh38, chr17:50,591,459, plus strand): 5'-GGTGCAGGGGGCTCAGGCTGCCTGCCCCCTTTGCAGCGTGTGGGAGATCGTGGGCCAGCA[G>T]GGGGGCGGCCTGTCGGTGCTGCGGACCTTCCGCCTGATGCGTGTGCTGAAGCTGGTGCGC-3'
Protein context (NP_061496.2, residues 816-836): VISVWEIVGQ[Gln826His]GGGLSVLRTF